The following is an entry in ClinVar:

ClinVar aggregate classification (germline): Uncertain significance (1 of 4 stars; one submission).

Submission:

Labcorp Genetics (formerly Invitae), Labcorp
Classification: Uncertain significance. Last evaluated: 2021-05-18. Review status: criteria provided, single submitter. Criteria: Invitae Variant Classification Sherloc (09022015). Collection method: clinical testing. Allele origin: germline.
Comment: Algorithms developed to predict the effect of missense changes on protein structure and function (SIFT, PolyPhen-2, Align-GVGD) all suggest that this variant is likely to be tolerated, but these predictions have not been confirmed by published functional studies and their clinical significance is uncertain. In summary, the available evidence is currently insufficient to determine the role of this variant in disease. Therefore, it has been classified as a Variant of Uncertain Significance. This variant has not been reported in the literature in individuals with POLE-related conditions. This variant is not present in population databases (ExAC no frequency). This sequence change replaces serine with arginine at codon 193 of the POLE protein (p.Ser193Arg). The serine residue is moderately conserved and there is a moderate physicochemical difference between serine and arginine.

NM_006231.4(POLE):c.579T>G (p.Ser193Arg)

Gene: POLE (DNA polymerase epsilon, catalytic subunit; minus strand). Cytogenetic location: 12q24.33.
Variant type: single nucleotide variant.
Coding change: c.579T>G on transcript NM_006231.4 (MANE Select); coding-DNA position 579, T replaced by G.
Protein change: p.Ser193Arg; replaces serine 193 with arginine.
Molecular consequence: missense variant.
Genome position (GRCh38, 1-based): chr12:132,677,719, A>C on the plus strand (T>G on the coding strand, the complement: POLE is on the minus strand). VCF-style: chr12-132677719-A-C. GRCh37 (hg19) VCF-style: chr12-133254305-A-C.
Other names: short protein forms S193R.
Identifiers: ClinVar variation 1354962 (VCV001354962.8), dbSNP rs2136021684, ClinGen allele CA387365501.
Genomic context (GRCh38, chr12:132,677,719, plus strand): 5'-GTCAGCTATCTTCTTAGAGGTTTCCTCTTCATCAGTAATGACACCGCCCCTCTGCAGAAC[A>C]CTAGGAATTAACAAGAGAGCAACTAACTCAGCTGCCAGGGTCTGGAGGAGGTGAGACCAG-3'
Protein context (NP_006222.2, residues 183-203): ASDAYTALLS[Ser193Arg]VLQRGGVITD